The following is an entry in ClinVar:

ClinVar aggregate classification (germline): Conflicting classifications of pathogenicity. Review status: criteria provided, conflicting classifications (1 of 4 stars). 6 submissions from 6 submitters: Uncertain significance (3); Benign (1); Likely benign (1). 1 of the submissions does not count toward it. Last evaluated 2025-12-01.

Conditions:
Retinitis pigmentosa 71 (RP71). Identifiers: Orphanet 791, MedGen C4225342, MONDO:0014618, OMIM 616394.
Short-rib thoracic dysplasia 10 with or without polydactyly (SRTD10). Identifiers: Orphanet 474, MedGen C3810175, MONDO:0014284, OMIM 615630.
Bardet-Biedl syndrome 20. Identifiers: MedGen C4310707, MONDO:0023670, OMIM 619471, MONDO:0014926.
IFT172-related disorder. Also called: IFT172-related disorders; IFT172-related condition.

Allele frequency attached by ClinVar (database versions not stated): gnomAD exomes 0.00007 and 0.00017; ExAC 0.00019; gnomAD 0.00061 and 0.00068; TOPMed 0.00085; ESP Exome Variant Server 0.00108.

Submissions (6):

Labcorp Genetics (formerly Invitae), Labcorp
Classification: Likely benign for Retinitis pigmentosa 71; Short-rib thoracic dysplasia 10 with or without polydactyly. Last evaluated: 2025-12-01. Review status: criteria provided, single submitter. Criteria: Invitae Variant Classification Sherloc (09022015). Collection method: clinical testing. Allele origin: germline.

GeneDx
Classification: Uncertain significance. Last evaluated: 2025-10-21. Review status: criteria provided, single submitter. Criteria: GeneDx Variant Classification Process June 2021. Collection method: clinical testing. Allele origin: germline. Affected: yes.
Comment: In silico analysis supports that this missense variant has a deleterious effect on protein structure/function; Has not been previously published as pathogenic or benign to our knowledge

Blueprint Genetics
Classification: Benign. Last evaluated: 2024-08-08. Review status: criteria provided, single submitter. Criteria: ACMG Guidelines, 2015. Collection method: clinical testing. Allele origin: germline.

Fulgent Genetics
Classification: Uncertain significance for Short-rib thoracic dysplasia 10 with or without polydactyly; Retinitis pigmentosa 71; Bardet-Biedl syndrome 20. Last evaluated: 2022-03-14. Review status: criteria provided, single submitter. Criteria: ACMG Guidelines, 2015. Collection method: clinical testing. Allele origin: unknown.

Genetic Services Laboratory, University of Chicago
Classification: Uncertain significance. Last evaluated: 2021-07-23. Review status: criteria provided, single submitter. Criteria: ACMG Guidelines, 2015. Collection method: clinical testing. Allele origin: germline. Affected: no.
Comment: DNA sequence analysis of the IFT172 gene demonstrated a sequence change, c.899G>A, in exon 9 that results in an amino acid change, p.Arg300Gln. This sequence change has been described in the gnomAD database with a frequency of 0.2% in the African/African-American subpopulation (dbSNP rs146332658). The p.Arg300Gln change affects a moderately conserved amino acid residue located in a domain of the IFT172 protein that is known to be functional. In-silico pathogenicity prediction tools (SIFT, PolyPhen2, Align GVGD, REVEL) provide contradictory results for the p.Arg300Gln substitution. This sequence change does not appear to have been previously described in individuals with IFT172-related disorders. Due to insufficient evidences and the lack of functional studies, the clinical significance of the p.Arg300Gln change remains unknown at this time.

PreventionGenetics, part of Exact Sciences
Classification: Likely benign for IFT172-related condition. Last evaluated: 2022-04-11. Review status: no assertion criteria provided. Collection method: clinical testing. Allele origin: germline. Not counted in ClinVar's aggregate classification.
Comment: This variant is classified as likely benign based on ACMG/AMP sequence variant interpretation guidelines (Richards et al. 2015 PMID: 25741868, with internal and published modifications).

NM_015662.3(IFT172):c.899G>A (p.Arg300Gln)

Gene: IFT172 (intraflagellar transport 172; minus strand). Cytogenetic location: 2p23.3.
Variant type: single nucleotide variant.
Coding change: c.899G>A on transcript NM_015662.3 (MANE Select); coding-DNA position 899, G replaced by A.
Protein change: p.Arg300Gln; replaces arginine 300 with glutamine.
Molecular consequence: missense variant.
Genome position (GRCh38, 1-based): chr2:27,480,036, C>T on the plus strand (G>A on the coding strand, the complement: IFT172 is on the minus strand). VCF-style: chr2-27480036-C-T. GRCh37 (hg19) VCF-style: chr2-27702903-C-T.
Other names: short protein forms R300Q.
Identifiers: ClinVar variation 966074 (VCV000966074.20), dbSNP rs146332658, ClinGen allele CA1580840.